The following is an entry in ClinVar:

NM_030665.4(RAI1):c.3352G>A (p.Ala1118Thr)

Gene: RAI1 (retinoic acid induced 1; plus strand). Cytogenetic location: 17p11.2.
Variant type: single nucleotide variant.
Coding change: c.3352G>A on transcript NM_030665.4 (MANE Select); coding-DNA position 3352, G replaced by A.
Protein change: p.Ala1118Thr; replaces alanine 1118 with threonine.
Molecular consequence: missense variant.
Genome position (GRCh38, 1-based): chr17:17,796,300, G>A. VCF-style: chr17-17796300-G-A. GRCh37 (hg19) VCF-style: chr17-17699614-G-A.
Other names: short protein forms A1118T.
Identifiers: ClinVar variation 2498695 (VCV002498695.28), dbSNP rs2032245201, ClinGen allele CA398553407.

ClinVar aggregate classification (germline): Uncertain significance (1 of 4 stars; one submission).

Submission:

CeGaT Center for Human Genetics Tuebingen
Classification: Uncertain significance. Last evaluated: 2023-03-01. Review status: criteria provided, single submitter. Criteria: CeGaT Center For Human Genetics Tuebingen Variant Classification Criteria Version 2. Collection method: clinical testing. Allele origin: germline. Affected: yes. Observed: 1 variant allele.
Comment: RAI1: PM2